The following is an entry in ClinVar:

ClinVar aggregate classification (germline): Pathogenic (1 of 4 stars; one submission).

Conditions:
Alkaptonuria (AKU). Also called: HOMOGENTISIC ACID OXIDASE DEFICIENCY; Alcaptonuria; Homogentisic acidura; Alkaptonuric ochronosis. Identifiers: Orphanet 56, MedGen C0002066, MONDO:0008753, OMIM 203500.

Submission:

Myriad Genetics, Inc.
Classification: Pathogenic for Alkaptonuria. Last evaluated: 2024-05-22. Review status: criteria provided, single submitter. Criteria: Myriad Autosomal Dominant, Autosomal Recessive and X-Linked Classification Criteria (2023). Collection method: clinical testing. Allele origin: unknown.
Comment: NM_000187.3(HGD):c.456_457dupGG(D153Gfs*4) is expected to be pathogenic in the context of alkaptonuria. This variant is predicted to lead to an abnormal or absent protein product due to the creation of a premature termination codon in HGD, a gene where loss-of-function variants are known to be pathogenic. Please note: this variant was assessed in the context of healthy population screening.

NM_000187.4(HGD):c.456_457dup (p.Asp153fs)

Gene: HGD (homogentisate 1,2-dioxygenase; minus strand). Cytogenetic location: 3q13.33.
Variant type: Duplication.
Coding change: c.456_457dup on transcript NM_000187.4 (MANE Select); coding-DNA positions 456 to 457, 2 bases duplicated (GG; older notation c.456_457dupGG).
Protein change: p.Asp153fs; shifts the reading frame from aspartic acid 153.
Molecular consequence: frameshift variant.
Genome position (GRCh38, 1-based): chr3:120,647,889-120,647,890, CC duplicated on the plus strand (GG on the coding strand, the reverse complement: HGD is on the minus strand); duplicating any 2 consecutive bases within chr3:120,647,889-120,647,892 gives the same sequence; the c. name uses the placement nearest the transcript's 3' end. VCF-style (leftmost placement, unchanged base first): chr3-120647888-T-TCC. GRCh37 (hg19) VCF-style: chr3-120366735-T-TCC.
Other names: short protein forms D153fs.
Identifiers: ClinVar variation 5013092 (VCV005013092.1).